The following is an entry in ClinVar:

NM_138713.4(NFAT5):c.4529C>T (p.Ser1510Phe)

Gene: NFAT5 (nuclear factor of activated T cells 5; plus strand). Cytogenetic location: 16q22.1.
Variant type: single nucleotide variant.
Coding change: c.4529C>T on transcript NM_138713.4 (MANE Select); coding-DNA position 4529, C replaced by T.
Protein change: p.Ser1510Phe; replaces serine 1510 with phenylalanine.
Molecular consequence: missense variant.
Genome position (GRCh38, 1-based): chr16:69,695,250, C>T. VCF-style: chr16-69695250-C-T. GRCh37 (hg19) VCF-style: chr16-69729153-C-T.
Other names: c.4526C>T, p.Ser1509Phe (NM_001113178.3); c.3854C>T, p.Ser1285Phe (NM_001367709.1); c.4475C>T, p.Ser1492Phe (NM_006599.4); c.4247C>T, p.Ser1416Phe (NM_138714.4, NM_173214.3, NM_173215.3); short protein forms S1509F, S1510F, S1285F, S1492F, S1416F.
Identifiers: ClinVar variation 4736573 (VCV004736573.1).

ClinVar aggregate classification (germline): Uncertain significance (1 of 4 stars; one submission).

Conditions:
Immunodeficiency. Identifiers: MedGen C0021051, MONDO:0021094, HP:0002721.

Submission:

Labcorp Genetics (formerly Invitae), Labcorp
Classification: Uncertain significance for Immunodeficiency. Last evaluated: 2026-02-02. Review status: criteria provided, single submitter. Criteria: Invitae Variant Classification Sherloc (09022015). Collection method: clinical testing. Allele origin: germline.
Comment: This sequence change replaces serine, which is neutral and polar, with phenylalanine, which is neutral and non-polar, at codon 1416 of the NFAT5 protein (p.Ser1416Phe). This variant is not present in population databases (gnomAD no frequency). This variant has not been reported in the literature in individuals affected with NFAT5-related conditions. An algorithm developed to predict the effect of missense changes on protein structure and function (PolyPhen-2) suggests that this variant is likely to be disruptive. Algorithms developed to predict the effect of sequence changes on RNA splicing suggest that this variant may create or strengthen a splice site. In summary, the available evidence is currently insufficient to determine the role of this variant in disease. Therefore, it has been classified as a Variant of Uncertain Significance.